The following is an entry in ClinVar:

NM_000452.3(SLC10A2):c.378C>T (p.Ser126=)

Gene: SLC10A2 (solute carrier family 10 member 2; minus strand). Cytogenetic location: 13q33.1.
Variant type: single nucleotide variant.
Coding change: c.378C>T on transcript NM_000452.3 (MANE Select); coding-DNA position 378, C replaced by T.
Protein change: p.Ser126=; no amino-acid change (serine 126 retained).
Molecular consequence: synonymous variant.
Genome position (GRCh38, 1-based): chr13:103,058,382, G>A on the plus strand (C>T on the coding strand, the complement: SLC10A2 is on the minus strand). VCF-style: chr13-103058382-G-A. GRCh37 (hg19) VCF-style: chr13-103710732-G-A.
Identifiers: ClinVar variation 3701522 (VCV003701522.2).

ClinVar aggregate classification (germline): Uncertain significance (1 of 4 stars; one submission).

gnomAD v4.1: 9 of 1,589,374 alleles (0.00057%); highest among the groups gnomAD compares: East Asian, 0.0045%; no homozygotes.

Submission:

Labcorp Genetics (formerly Invitae), Labcorp
Classification: Uncertain significance. Last evaluated: 2024-08-02. Review status: criteria provided, single submitter. Criteria: Invitae Variant Classification Sherloc (09022015). Collection method: clinical testing. Allele origin: germline.
Comment: This sequence change affects codon 126 of the SLC10A2 mRNA. It is a 'silent' change, meaning that it does not change the encoded amino acid sequence of the SLC10A2 protein. It affects a nucleotide within the consensus splice site. This variant is present in population databases (rs781234025, gnomAD 0.006%). This variant has not been reported in the literature in individuals affected with SLC10A2-related conditions. Algorithms developed to predict the effect of sequence changes on RNA splicing suggest that this variant is not likely to affect RNA splicing. In summary, the available evidence is currently insufficient to determine the role of this variant in disease. Therefore, it has been classified as a Variant of Uncertain Significance.